The following is an entry in ClinVar:

ClinVar aggregate classification (germline): Benign/Likely benign. Review status: criteria provided, multiple submitters, no conflicts (2 of 4 stars). 4 submissions from 4 submitters: Benign (1); Likely benign (3). Last evaluated 2024-05-14.

Conditions:
Hereditary cancer-predisposing syndrome. Also called: Neoplastic Syndromes, Hereditary; Tumor predisposition; Hereditary neoplastic syndrome; Hereditary Cancer Syndrome. Identifiers: Orphanet 140162, MedGen C0027672, MeSH D009386, MONDO:0015356.
Familial cancer of breast. Also called: BREAST CANCER, FAMILIAL; Hereditary breast cancer; hereditary breast carcinoma. Identifiers: Orphanet 227535, MedGen C0346153, MONDO:0016419, OMIM 114480. Disease mechanism: loss of function.
Ataxia-telangiectasia syndrome (AT). Also called: Cerebello-oculocutaneous telangiectasia; Immunodeficiency with ataxia telangiectasia; Ataxia-telangiectasia; Ataxia telangiectasia (A-T); LOUIS-BAR SYNDROME; Ataxia-telangiectasia, complementation group D. Identifiers: Orphanet 100, MedGen C0004135, MONDO:0008840, OMIM 208900.

Submissions (4):

Myriad Genetics, Inc.
Classification: Benign for Familial cancer of breast. Last evaluated: 2024-05-14. Review status: criteria provided, single submitter. Criteria: Myriad Autosomal Dominant, Autosomal Recessive and X-Linked Classification Criteria (2023). Collection method: clinical testing. Allele origin: unknown.
Comment: This variant is considered benign. This variant is a silent/synonymous amino acid change and it is not expected to impact splicing.

GeneDx
Classification: Likely benign. Last evaluated: 2020-03-27. Review status: criteria provided, single submitter. Criteria: GeneDx Variant Classification Process June 2021. Collection method: clinical testing. Allele origin: germline. Affected: yes.

Labcorp Genetics (formerly Invitae), Labcorp
Classification: Likely benign for Ataxia-telangiectasia syndrome. Last evaluated: 2018-09-21. Review status: criteria provided, single submitter. Criteria: Invitae Variant Classification Sherloc (09022015). Collection method: clinical testing. Allele origin: germline.

Ambry Genetics
Classification: Likely benign for Hereditary cancer-predisposing syndrome. Last evaluated: 2017-04-12. Review status: criteria provided, single submitter. Criteria: Ambry Variant Classification Scheme 2023. Collection method: clinical testing. Allele origin: germline.

NM_000051.4(ATM):c.3417G>A (p.Glu1139=)

Gene: ATM (ATM serine/threonine kinase; plus strand). Cytogenetic location: 11q22.3.
Variant type: single nucleotide variant.
Coding change: c.3417G>A on transcript NM_000051.4 (MANE Select); coding-DNA position 3417, G replaced by A.
Protein change: p.Glu1139=; no amino-acid change (glutamic acid 1139 retained).
Molecular consequence: synonymous variant.
Genome position (GRCh38, 1-based): chr11:108,281,009, G>A. VCF-style: chr11-108281009-G-A. GRCh37 (hg19) VCF-style: chr11-108151736-G-A.
Other names: c.3417G>A, p.Glu1139= (NM_001351834.2).
Identifiers: ClinVar variation 246053 (VCV000246053.16), dbSNP rs879254069, ClinGen allele CA10584336.